The following is an entry in ClinVar:

ClinVar aggregate classification (germline): Benign/Likely benign. Review status: criteria provided, multiple submitters, no conflicts (2 of 4 stars). 7 submissions from 7 submitters: Benign (1); Likely benign (6). Last evaluated 2026-09-01.

Conditions:
Inborn genetic diseases. Identifiers: MedGen C0950123, MeSH D030342.
KBG syndrome (KBGS). Also called: ANKRD11-Related KBG Syndrome. Identifiers: Orphanet 2332, MedGen C0220687, MONDO:0007846, OMIM 148050.

Allele frequency attached by ClinVar (database versions not stated): ExAC 0.00017; gnomAD 0.00019 and 0.00022; ESP Exome Variant Server 0.00023; gnomAD exomes 0.00023 and 0.00026; TOPMed 0.00040.
gnomAD v4.1: 405 of 1,613,684 alleles (0.025%); highest among the groups gnomAD compares: Admixed American, 0.075%; 1 homozygote.

Submissions (7):

CeGaT Center for Human Genetics Tuebingen
Classification: Likely benign. Last evaluated: 2026-09-01. Review status: criteria provided, single submitter. Criteria: CeGaT Center For Human Genetics Tuebingen Variant Classification Criteria Version 2. Collection method: clinical testing. Allele origin: germline. Affected: yes. Observed: 4 variant alleles.
Comment: ANKRD11: BP4, BP7

Labcorp Genetics (formerly Invitae), Labcorp
Classification: Likely benign for KBG syndrome. Last evaluated: 2026-01-19. Review status: criteria provided, single submitter. Criteria: Invitae Variant Classification Sherloc (09022015). Collection method: clinical testing. Allele origin: germline.

Athena Diagnostics
Classification: Benign. Last evaluated: 2024-10-07. Review status: criteria provided, single submitter. Criteria: Athena Diagnostics Criteria. Collection method: clinical testing. Allele origin: unknown.

Blueprint Genetics
Classification: Likely benign. Last evaluated: 2024-08-13. Review status: criteria provided, single submitter. Criteria: ACMG Guidelines, 2015. Collection method: clinical testing. Allele origin: germline.

GeneDx
Classification: Likely benign. Last evaluated: 2020-11-02. Review status: criteria provided, single submitter. Criteria: GeneDx Variant Classification Process June 2021. Collection method: clinical testing. Allele origin: germline. Affected: yes.

Ambry Genetics
Classification: Likely benign for Inborn genetic diseases. Last evaluated: 2018-09-19. Review status: criteria provided, single submitter. Criteria: Ambry Variant Classification Scheme 2023. Collection method: clinical testing. Allele origin: germline.

Breakthrough Genomics
Classification: Likely benign. Review status: criteria provided, single submitter. Criteria: ACMG Guidelines, 2015. Collection method: not provided. Allele origin: germline. Inheritance: Autosomal dominant inheritance. Affected: yes.

NM_013275.6(ANKRD11):c.2148A>G (p.Lys716=)

Gene: ANKRD11 (ankyrin repeat domain 11; minus strand). Cytogenetic location: 16q24.3.
Variant type: single nucleotide variant.
Coding change: c.2148A>G on transcript NM_013275.6 (MANE Select); coding-DNA position 2148, A replaced by G.
Protein change: p.Lys716=; no amino-acid change (lysine 716 retained).
Molecular consequence: synonymous variant.
Genome position (GRCh38, 1-based): chr16:89,284,394, T>C on the plus strand (A>G on the coding strand, the complement: ANKRD11 is on the minus strand). VCF-style: chr16-89284394-T-C. GRCh37 (hg19) VCF-style: chr16-89350802-T-C.
Other names: c.2148A>G (NM_001256182.1); c.2148A>G, p.Lys716= (NM_001256182.2, NM_001256183.2).
Identifiers: ClinVar variation 706627 (VCV000706627.37), dbSNP rs371050776, ClinGen allele CA8242630.